The following is an entry in ClinVar:

ClinVar aggregate classification (germline): Pathogenic (0 of 4 stars; one submission).

Conditions:
PYGL-related disorder. Also called: PYGL-related condition.

Submission:

PreventionGenetics, part of Exact Sciences
Classification: Pathogenic for PYGL-related condition. Last evaluated: 2024-07-16. Review status: no assertion criteria provided. Collection method: clinical testing. Allele origin: germline.
Comment: The PYGL c.861dupT variant is predicted to result in premature protein termination (p.Glu288*). To our knowledge, this variant has not been reported in the literature. This variant is reported in 0.0054% of alleles in individuals of European (Non-Finnish) descent in gnomAD. Nonsense variants in PYGL are expected to be pathogenic. This variant is interpreted as pathogenic.

NM_002863.5(PYGL):c.856dup (p.Glu288Ter)

Gene: PYGL (glycogen phosphorylase L; minus strand). Cytogenetic location: 14q22.1.
Variant type: Duplication.
Coding change: c.856dup on transcript NM_002863.5 (MANE Select); coding-DNA position 856, one base duplicated (T; older notation c.856dupT).
Protein change: p.Glu288Ter; replaces glutamic acid 288 with a stop codon.
Molecular consequence: nonsense.
Genome position (GRCh38, 1-based): chr14:50,917,100, A duplicated on the plus strand (T on the coding strand, the reverse complement: PYGL is on the minus strand); the first of 6 consecutive A bases (chr14:50,917,100-50,917,105); duplicating any one gives the same sequence. VCF-style (leftmost placement, unchanged base first): chr14-50917099-C-CA. GRCh37 (hg19) VCF-style: chr14-51383817-C-CA.
Other names: c.754dup, p.Glu254Ter (NM_001163940.2); short protein forms E254*, E288*.
Identifiers: ClinVar variation 3346255 (VCV003346255.2).
Genomic context (GRCh38, chr14:50,917,099, plus strand): 5'-TATCTTGCAAGGTTGCAGCCACCACAAAGTATTCCTGCTTCAATCTTAGCTCCTTCCCTT[C>CA]AAAAAACTTCAAGCCAGAGAGATAGAATAAAAATGGTTCATATTGTAGGTGTGGCCAAAA-3'